The following is an entry in ClinVar:

ClinVar aggregate classification (germline): Uncertain significance (1 of 4 stars; one submission).

Conditions:
Familial cancer of breast. Also called: BREAST CANCER, FAMILIAL; Hereditary breast cancer; hereditary breast carcinoma. Identifiers: Orphanet 227535, MedGen C0346153, MONDO:0016419, OMIM 114480. Disease mechanism: loss of function.
Fanconi anemia complementation group J. Also called: BRIP1-Related Fanconi Anemia. Identifiers: Orphanet 84, MedGen C1836860, MONDO:0012187, OMIM 609054.

Submission:

Labcorp Genetics (formerly Invitae), Labcorp
Classification: Uncertain significance for Familial cancer of breast; Fanconi anemia complementation group J. Last evaluated: 2021-11-26. Review status: criteria provided, single submitter. Criteria: Invitae Variant Classification Sherloc (09022015). Collection method: clinical testing. Allele origin: germline.
Comment: This variant results in a copy number gain of the genomic region encompassing exon(s) 2-14 of the BRIP1 gene. This region includes the initiator codon of the gene. This copy number gain extends beyond the assayed region for this gene and therefore may encompass additional genes. As the precise location of this event is unknown, it may be in tandem or it may be located elsewhere in the genome. This variant has not been reported in the literature in individuals affected with BRIP1-related conditions. Experimental studies and prediction algorithms are not available or were not evaluated, and the functional significance of this variant is currently unknown. In summary, the available evidence is currently insufficient to determine the role of this variant in disease. Therefore, it has been classified as a Variant of Uncertain Significance.

NC_000017.10:g.(?_59853752)_(59938900_?)dup

Gene: BRIP1 (BRCA1 interacting DNA helicase 1; minus strand). Cytogenetic location: 17q23.2.
Variant type: Duplication.
Identifiers: ClinVar variation 1447543 (VCV001447543.4).